The following is an entry in ClinVar:

NM_001256789.3(CACNA1F):c.2776C>A (p.Arg926Ser)

Gene: CACNA1F (calcium voltage-gated channel subunit alpha1 F; minus strand). Cytogenetic location: Xp11.23.
Variant type: single nucleotide variant.
Coding change: c.2776C>A on transcript NM_001256789.3 (MANE Select); coding-DNA position 2776, C replaced by A.
Protein change: p.Arg926Ser; replaces arginine 926 with serine.
Molecular consequence: missense variant.
Genome position (GRCh38, 1-based): chrX:49,218,693, G>T on the plus strand (C>A on the coding strand, the complement: CACNA1F is on the minus strand). VCF-style: chrX-49218693-G-T. GRCh37 (hg19) VCF-style: chrX-49075152-G-T.
Other names: c.2614C>A, p.Arg872Ser (NM_001256790.3); c.2809C>A, p.Arg937Ser (NM_005183.4); short protein forms R872S, R926S, R937S.
Identifiers: ClinVar variation 4217821 (VCV004217821.2).
Genomic context (GRCh38, chrX:49,218,693, plus strand): 5'-TGCCAAAGGAGATGAGGGACACACTGACCACCAGCAGATCCAACATATTAAACCAGCTAC[G>T]GCAGAAGGAGCCGCGGTGCAGGAAGGCCCCAAACACTGTCATCTGGGGACAGGACAAGAG-3'
Protein context (NP_001243718.1, residues 916-936): GAFLHRGSFC[Arg926Ser]SWFNMLDLLV

ClinVar aggregate classification (germline): Uncertain significance. Review status: criteria provided, multiple submitters, no conflicts (2 of 4 stars). 2 submissions from 2 submitters: Uncertain significance (2). Last evaluated 2025-06-18.

Conditions:
Inborn genetic diseases. Identifiers: MedGen C0950123, MeSH D030342.

Submissions (2):

Ambry Genetics
Classification: Uncertain significance for Inborn genetic diseases. Last evaluated: 2025-06-18. Review status: criteria provided, single submitter. Criteria: Ambry Variant Classification Scheme 2023. Collection method: clinical testing. Allele origin: germline.

Labcorp Genetics (formerly Invitae), Labcorp
Classification: Uncertain significance. Last evaluated: 2025-03-14. Review status: criteria provided, single submitter. Criteria: Invitae Variant Classification Sherloc (09022015). Collection method: clinical testing. Allele origin: germline.
Comment: This sequence change replaces arginine, which is basic and polar, with serine, which is neutral and polar, at codon 937 of the CACNA1F protein (p.Arg937Ser). This variant is not present in population databases (gnomAD no frequency). This variant has not been reported in the literature in individuals affected with CACNA1F-related conditions. Invitae Evidence Modeling of protein sequence and biophysical properties (such as structural, functional, and spatial information, amino acid conservation, physicochemical variation, residue mobility, and thermodynamic stability) indicates that this missense variant is expected to disrupt CACNA1F protein function with a positive predictive value of 80%. In summary, the available evidence is currently insufficient to determine the role of this variant in disease. Therefore, it has been classified as a Variant of Uncertain Significance.